The following is an entry in ClinVar:

ClinVar aggregate classification (germline): Uncertain significance (1 of 4 stars; one submission).

Conditions:
Familial acute necrotizing encephalopathy (IIAE3). Also called: ENCEPHALOPATHY, ACUTE, INFECTION-INDUCED, SUSCEPTIBILITY TO, 3; Susceptibility to Acute Necrotizing Encephalopathy 1. Identifiers: Orphanet 88619, MedGen C2675556, MONDO:0011953, OMIM 608033.

gnomAD v4.1: 1 of 1,611,900 alleles (0.000062%); highest among the groups gnomAD compares: African/African-American, 0.0013%; no homozygotes.

Submission:

Labcorp Genetics (formerly Invitae), Labcorp
Classification: Uncertain significance for Familial acute necrotizing encephalopathy. Last evaluated: 2024-04-25. Review status: criteria provided, single submitter. Criteria: Invitae Variant Classification Sherloc (09022015). Collection method: clinical testing. Allele origin: germline.
Comment: This sequence change replaces alanine, which is neutral and non-polar, with threonine, which is neutral and polar, at codon 573 of the RANBP2 protein (p.Ala573Thr). This variant is not present in population databases (gnomAD no frequency). This variant has not been reported in the literature in individuals affected with RANBP2-related conditions. ClinVar contains an entry for this variant (Variation ID: 2182533). An algorithm developed to predict the effect of missense changes on protein structure and function (PolyPhen-2) suggests that this variant is likely to be tolerated. In summary, the available evidence is currently insufficient to determine the role of this variant in disease. Therefore, it has been classified as a Variant of Uncertain Significance.

NM_006267.5(RANBP2):c.1717G>A (p.Ala573Thr)

Gene: RANBP2 (RAN binding protein 2; plus strand). Cytogenetic location: 2q13.
Variant type: single nucleotide variant.
Coding change: c.1717G>A on transcript NM_006267.5 (MANE Select); coding-DNA position 1717, G replaced by A.
Protein change: p.Ala573Thr; replaces alanine 573 with threonine.
Molecular consequence: missense variant.
Genome position (GRCh38, 1-based): chr2:108,751,956, G>A. VCF-style: chr2-108751956-G-A. GRCh37 (hg19) VCF-style: chr2-109368412-G-A.
Other names: short protein forms A573T.
Identifiers: ClinVar variation 2182533 (VCV002182533.4), dbSNP rs1410658120, ClinGen allele CA348050332.
Genomic context (GRCh38, chr2:108,751,956, plus strand): 5'-CTTCTAGTTCAGCATGAAATAAACACTCTAAGAGCCCAGGAAAAACATGGCCTTCAACCT[G>A]CTCTGCTTGTACATTGGGCAGAATGCCTTCAGAAAACGGTGAGTTTTAAAGTATAAGCAT-3'
Protein context (NP_006258.3, residues 563-583): RAQEKHGLQP[Ala573Thr]LLVHWAECLQ